The following is an entry in ClinVar:

NM_153682.3(PIGP):c.-22-36C>A

Genes: PIGP (phosphatidylinositol glycan anchor biosynthesis class P; minus strand), LOC130066643 (ATAC-STARR-seq lymphoblastoid silent region 13296; plus strand). Cytogenetic location: 21q22.13.
Variant type: single nucleotide variant.
Coding change: c.-22-36C>A on transcript NM_153682.3 (MANE Select); 36 bases into the intron before 22 bases upstream of the start codon, C replaced by A.
Molecular consequence: intron variant. On other transcripts: missense variant (1).
Genome position (GRCh38, 1-based): chr21:37,072,573, G>T on the plus strand (C>A on the coding strand, the complement: PIGP is on the minus strand). VCF-style: chr21-37072573-G-T. GRCh37 (hg19) VCF-style: chr21-38444873-G-T.
Other names: c.15C>A, p.Ser5Arg (NM_153681.2); c.-266-36C>A (NM_016430.4); c.-22-36C>A (NM_001320480.2); short protein forms S5R.
Identifiers: ClinVar variation 2091164 (VCV002091164.4), dbSNP rs1315439078, ClinGen allele CA409921819.
Genomic context (GRCh38, chr21:37,072,573, plus strand): 5'-CATTTTTCCTGGGGCTTTAGACAATCTGTGGAAAAGGAACACAATCAGCGTCAGCGATGT[G>T]CTCCGTGGCACCATTGATCCATTCTCGCCTCCTCGCTCCGCCGCGGGTACGGCCCCCGCC-3'

ClinVar aggregate classification (germline): Uncertain significance (1 of 4 stars; one submission).

Submission:

Labcorp Genetics (formerly Invitae), Labcorp
Classification: Uncertain significance. Last evaluated: 2022-01-31. Review status: criteria provided, single submitter. Criteria: Invitae Variant Classification Sherloc (09022015). Collection method: clinical testing. Allele origin: germline.
Comment: In summary, the available evidence is currently insufficient to determine the role of this variant in disease. Therefore, it has been classified as a Variant of Uncertain Significance. Algorithms developed to predict the effect of missense changes on protein structure and function output the following: SIFT: "Tolerated"; PolyPhen-2: "Possibly Damaging"; Align-GVGD: "Class C0". The arginine amino acid residue is found in multiple mammalian species, which suggests that this missense change does not adversely affect protein function. This variant has not been reported in the literature in individuals affected with PIGP-related conditions. This variant is not present in population databases (gnomAD no frequency). This sequence change replaces serine, which is neutral and polar, with arginine, which is basic and polar, at codon 5 of the PIGP protein (p.Ser5Arg).